The following is an entry in ClinVar:

ClinVar aggregate classification (germline): Uncertain significance. Review status: criteria provided, multiple submitters, no conflicts (2 of 4 stars). 2 submissions from 2 submitters: Uncertain significance (2). Last evaluated 2024-07-26.

Conditions:
Inborn genetic diseases. Identifiers: MedGen C0950123, MeSH D030342.

Allele frequency attached by ClinVar (database versions not stated): TOPMed 0.00002.

Submissions (2):

Ambry Genetics
Classification: Uncertain significance for Inborn genetic diseases. Last evaluated: 2024-07-26. Review status: criteria provided, single submitter. Criteria: Ambry Variant Classification Scheme 2023. Collection method: clinical testing. Allele origin: germline.

Labcorp Genetics (formerly Invitae), Labcorp
Classification: Uncertain significance. Last evaluated: 2024-04-15. Review status: criteria provided, single submitter. Criteria: Invitae Variant Classification Sherloc (09022015). Collection method: clinical testing. Allele origin: germline.
Comment: This sequence change replaces glycine, which is neutral and non-polar, with glutamic acid, which is acidic and polar, at codon 1320 of the KMT2B protein (p.Gly1320Glu). This variant is not present in population databases (gnomAD no frequency). This variant has not been reported in the literature in individuals affected with KMT2B-related conditions. Advanced modeling of protein sequence and biophysical properties (such as structural, functional, and spatial information, amino acid conservation, physicochemical variation, residue mobility, and thermodynamic stability) performed at Invitae indicates that this missense variant is not expected to disrupt KMT2B protein function with a negative predictive value of 95%. In summary, the available evidence is currently insufficient to determine the role of this variant in disease. Therefore, it has been classified as a Variant of Uncertain Significance.

NM_014727.3(KMT2B):c.3959G>A (p.Gly1320Glu)

Gene: KMT2B (lysine methyltransferase 2B; plus strand). Cytogenetic location: 19q13.12.
Variant type: single nucleotide variant.
Coding change: c.3959G>A on transcript NM_014727.3 (MANE Select); coding-DNA position 3959, G replaced by A.
Protein change: p.Gly1320Glu; replaces glycine 1320 with glutamic acid.
Molecular consequence: missense variant.
Genome position (GRCh38, 1-based): chr19:35,726,309, G>A. VCF-style: chr19-35726309-G-A. GRCh37 (hg19) VCF-style: chr19-36217210-G-A.
Other names: c.3959G>A (NM_014727.1); short protein forms G1320E.
Identifiers: ClinVar variation 2901709 (VCV002901709.4), dbSNP rs1969439325, ClinGen allele CA405411704.